The following is an entry in ClinVar:

NM_000297.4(PKD2):c.1925del (p.Gly642fs)

Gene: PKD2 (polycystin 2, transient receptor potential cation channel; plus strand). Cytogenetic location: 4q22.1.
Variant type: Deletion.
Coding change: c.1925del on transcript NM_000297.4 (MANE Select); coding-DNA position 1925, one base deleted (G; older notation c.1925delG).
Protein change: p.Gly642fs; shifts the reading frame from glycine 642.
Molecular consequence: frameshift variant.
Genome position (GRCh38, 1-based): chr4:88,058,009, G deleted; the last of 3 consecutive G bases (chr4:88,058,007-88,058,009); deleting any one gives the same sequence. VCF-style (leftmost placement, unchanged base first): chr4-88058006-TG-T. GRCh37 (hg19) VCF-style: chr4-88979158-TG-T.
Other names: short protein forms G642fs.
Identifiers: ClinVar variation 2025530 (VCV002025530.4), dbSNP rs2475959308, ClinGen allele CA2580071863.

ClinVar aggregate classification (germline): Pathogenic (1 of 4 stars; one submission).

Conditions:
Autosomal dominant polycystic kidney disease. Identifiers: Orphanet 730, MedGen C0085413, MONDO:0004691.

Submission:

Labcorp Genetics (formerly Invitae), Labcorp
Classification: Pathogenic for Autosomal dominant polycystic kidney disease. Last evaluated: 2022-08-21. Review status: criteria provided, single submitter. Criteria: Invitae Variant Classification Sherloc (09022015). Collection method: clinical testing. Allele origin: germline.
Comment: This variant is not present in population databases (gnomAD no frequency). This sequence change creates a premature translational stop signal (p.Gly642Alafs*32) in the PKD2 gene. It is expected to result in an absent or disrupted protein product. Loss-of-function variants in PKD2 are known to be pathogenic (PMID: 17582161, 22863349). This variant has not been reported in the literature in individuals affected with PKD2-related conditions. For these reasons, this variant has been classified as Pathogenic.

Literature cited by the submitters: PubMed 17582161; PubMed 22863349.